The following is an entry in ClinVar:

NM_014704.4(CEP104):c.1386A>G (p.Leu462=)

Gene: CEP104 (centrosomal protein 104; minus strand). Cytogenetic location: 1p36.32.
Variant type: single nucleotide variant.
Coding change: c.1386A>G on transcript NM_014704.4 (MANE Select); coding-DNA position 1386, A replaced by G.
Protein change: p.Leu462=; no amino-acid change (leucine 462 retained).
Molecular consequence: synonymous variant.
Genome position (GRCh38, 1-based): chr1:3,835,024, T>C on the plus strand (A>G on the coding strand, the complement: CEP104 is on the minus strand). VCF-style: chr1-3835024-T-C. GRCh37 (hg19) VCF-style: chr1-3751588-T-C.
Identifiers: ClinVar variation 475458 (VCV000475458.17), dbSNP rs76234817, ClinGen allele CA551608.

ClinVar aggregate classification (germline): Benign/Likely benign. Review status: criteria provided, multiple submitters, no conflicts (2 of 4 stars). 5 submissions from 5 submitters: Benign (1); Likely benign (3). 1 of the submissions does not count toward it. Last evaluated 2026-01-30.

Conditions:
CEP104-related disorder. Also called: CEP104-related condition.
Joubert syndrome 25 (JBTS25). Identifiers: Orphanet 475, MedGen C4084842, MONDO:0014770, OMIM 616781.

Allele frequency attached by ClinVar (database versions not stated): gnomAD exomes 0.00154; ExAC 0.00207; 1000 Genomes Project 0.00479; 1000 Genomes Project 30x 0.00547; gnomAD 0.00599 and 0.00655; TOPMed 0.00695; ESP Exome Variant Server 0.00700.
gnomAD v4.1: 1,790 of 1,614,034 alleles (0.11%); highest among the groups gnomAD compares: African/African-American, 2.1%; 16 homozygotes.

Submissions (5):

Labcorp Genetics (formerly Invitae), Labcorp
Classification: Benign for Joubert syndrome 25. Last evaluated: 2026-01-30. Review status: criteria provided, single submitter. Criteria: Invitae Variant Classification Sherloc (09022015). Collection method: clinical testing. Allele origin: germline.

Blueprint Genetics
Classification: Likely benign. Last evaluated: 2024-11-13. Review status: criteria provided, single submitter. Criteria: ACMG Guidelines, 2015. Collection method: clinical testing. Allele origin: germline.

GeneDx
Classification: Likely benign. Last evaluated: 2021-08-05. Review status: criteria provided, single submitter. Criteria: GeneDx Variant Classification Process June 2021. Collection method: clinical testing. Allele origin: germline. Affected: yes.

Breakthrough Genomics
Classification: Likely benign. Review status: criteria provided, single submitter. Criteria: ACMG Guidelines, 2015. Collection method: not provided. Allele origin: germline. Inheritance: Autosomal recessive inheritance. Affected: yes.

PreventionGenetics, part of Exact Sciences
Classification: Benign for CEP104-related condition. Last evaluated: 2019-09-05. Review status: no assertion criteria provided. Collection method: clinical testing. Allele origin: germline. Not counted in ClinVar's aggregate classification.
Comment: This variant is classified as benign based on ACMG/AMP sequence variant interpretation guidelines (Richards et al. 2015 PMID: 25741868, with internal and published modifications).